The following is an entry in ClinVar:

ClinVar aggregate classification (germline): Uncertain significance (1 of 4 stars; one submission).

Conditions:
Aortic aneurysm, familial thoracic 8 (AAT8). Identifiers: MedGen C3809513, MONDO:0014187, OMIM 615436.

Submission:

Labcorp Genetics (formerly Invitae), Labcorp
Classification: Uncertain significance for Aortic aneurysm, familial thoracic 8. Last evaluated: 2021-09-08. Review status: criteria provided, single submitter. Criteria: Invitae Variant Classification Sherloc (09022015). Collection method: clinical testing. Allele origin: germline.
Comment: In summary, the available evidence is currently insufficient to determine the role of this variant in disease. Therefore, it has been classified as a Variant of Uncertain Significance. Experimental studies and prediction algorithms are not available or were not evaluated, and the functional significance of this variant is currently unknown. This variant has not been reported in the literature in individuals affected with PRKG1-related conditions. This variant is a gross deletion of the genomic region encompassing exon(s) 6-18 of the PRKG1 gene, which includes the termination codon. This deletion extends beyond the assayed region for this gene and therefore may encompass additional genes. While this deletion is not anticipated to lead to nonsense mediated decay, it is expected to alter mRNA translation or result in a truncated protein product.

NC_000010.10:g.(?_53814224)_(54053660_?)del

Gene: PRKG1 (protein kinase cGMP-dependent 1; plus strand). Cytogenetic location: 10q21.1.
Variant type: Deletion.
Identifiers: ClinVar variation 1448534 (VCV001448534.4).